The following is an entry in ClinVar:

ClinVar aggregate classification (germline): Uncertain significance (1 of 4 stars; one submission).

Conditions:
Developmental and epileptic encephalopathy, 32 (DEE32). Also called: Epileptic encephalopathy, early infantile, 32. Identifiers: Orphanet 442835, MedGen C4225350, MONDO:0014607, OMIM 616366.

Submission:

Labcorp Genetics (formerly Invitae), Labcorp
Classification: Uncertain significance for Developmental and epileptic encephalopathy, 32. Last evaluated: 2021-03-14. Review status: criteria provided, single submitter. Criteria: Invitae Variant Classification Sherloc (09022015). Collection method: clinical testing. Allele origin: germline.
Comment: In summary, the available evidence is currently insufficient to determine the role of this variant in disease. Therefore, it has been classified as a Variant of Uncertain Significance. Advanced modeling of protein sequence and biophysical properties (such as structural, functional, and spatial information, amino acid conservation, physicochemical variation, residue mobility, and thermodynamic stability) performed at Invitae indicates that this missense variant is expected to disrupt KCNA2 protein function. This variant has not been reported in the literature in individuals with KCNA2-related conditions. This variant is not present in population databases (ExAC no frequency). This sequence change replaces alanine with glutamic acid at codon 368 of the KCNA2 protein (p.Ala368Glu). The alanine residue is highly conserved and there is a moderate physicochemical difference between alanine and glutamic acid.

NM_004974.4(KCNA2):c.1103C>A (p.Ala368Glu)

Gene: KCNA2 (potassium voltage-gated channel subfamily A member 2; minus strand). Cytogenetic location: 1p13.3.
Variant type: single nucleotide variant.
Coding change: c.1103C>A on transcript NM_004974.4 (MANE Select); coding-DNA position 1103, C replaced by A.
Protein change: p.Ala368Glu; replaces alanine 368 with glutamic acid.
Molecular consequence: missense variant. On other transcripts: intron variant (1).
Genome position (GRCh38, 1-based): chr1:110,603,680, G>T on the plus strand (C>A on the coding strand, the complement: KCNA2 is on the minus strand). VCF-style: chr1-110603680-G-T. GRCh37 (hg19) VCF-style: chr1-111146302-G-T.
Other names: c.894+209C>A (NM_001204269.2); short protein forms A368E.
Identifiers: ClinVar variation 1487455 (VCV001487455.8), dbSNP rs2101397307, ClinGen allele CA341601866.
Genomic context (GRCh38, chr1:110,603,680, plus strand): 5'-TTTCCCCCAATGGTAGTCGGAACCATGTCTCCATAGCCTACAGTTGTCATGGAGACGACT[G>T]CCCACCAGAAGGCATCTGGGATGCTGGGGAACTGGGACTCTCGCTCATCGGCCTCTGCAA-3'
Protein context (NP_004965.1, residues 358-378): FPSIPDAFWW[Ala368Glu]VVSMTTVGYG